The following is an entry in ClinVar:

ClinVar aggregate classification (germline): Benign (1 of 4 stars; one submission).

Allele frequency attached by ClinVar (database versions not stated): 1000 Genomes Project 0.12580; 1000 Genomes Project 30x 0.13195; gnomAD 0.14000 and 0.14424; TOPMed 0.14538.
gnomAD v4.1: 21,270 of 151,814 alleles (14%); highest among the groups gnomAD compares: Middle Eastern, 25%; 1,850 homozygotes.

Submission:

GeneDx
Classification: Benign. Last evaluated: 2018-06-14. Review status: criteria provided, single submitter. Criteria: GeneDx Variant Classification (06012015). Collection method: clinical testing. Allele origin: germline. Affected: yes.
Comment: This variant is considered likely benign or benign based on one or more of the following criteria: it is a conservative change, it occurs at a poorly conserved position in the protein, it is predicted to be benign by multiple in silico algorithms, and/or has population frequency not consistent with disease.

NM_001083961.2(WDR62):c.1768+220G>A

Gene: WDR62 (WD repeat domain 62; plus strand). Cytogenetic location: 19q13.12.
Variant type: single nucleotide variant.
Coding change: c.1768+220G>A on transcript NM_001083961.2 (MANE Select); 220 bases into the intron after coding-DNA position 1768, G replaced by A.
Molecular consequence: intron variant.
Genome position (GRCh38, 1-based): chr19:36,087,032, G>A. VCF-style: chr19-36087032-G-A. GRCh37 (hg19) VCF-style: chr19-36577934-G-A.
Other names: c.1768+220G>A (NM_173636.5).
Identifiers: ClinVar variation 670279 (VCV000670279.1), dbSNP rs56185833, ClinGen allele CA307870369.
Genomic context (GRCh38, chr19:36,087,032, plus strand): 5'-ACCTGTAATCCCAACACTTTGGGAGGCCAAGGAGGGTGGATCACCTGAGGTCAGGAGTTC[G>A]GGACCTTCCTAGACAACATGGTGAAACCCCGTCTCTACTAAAAATACAAAAATTTGCTGG-3'